The following is an entry in ClinVar:

NM_006912.6(RIT1):c.587A>G (p.Lys196Arg)

Gene: RIT1 (Ras like without CAAX 1; minus strand). Cytogenetic location: 1q22.
Variant type: single nucleotide variant.
Coding change: c.587A>G on transcript NM_006912.6 (MANE Select); coding-DNA position 587, A replaced by G.
Protein change: p.Lys196Arg; replaces lysine 196 with arginine.
Molecular consequence: missense variant.
Genome position (GRCh38, 1-based): chr1:155,900,461, T>C on the plus strand (A>G on the coding strand, the complement: RIT1 is on the minus strand). VCF-style: chr1-155900461-T-C. GRCh37 (hg19) VCF-style: chr1-155870252-T-C.
Other names: c.479A>G, p.Lys160Arg (NM_001256820.2); c.638A>G, p.Lys213Arg (NM_001256821.2); short protein forms K160R, K196R, K213R.
Identifiers: ClinVar variation 4771639 (VCV004771639.1).

ClinVar aggregate classification (germline): Uncertain significance (1 of 4 stars; one submission).

Conditions:
Noonan syndrome 8 (NS8). Identifiers: Orphanet 648, MedGen C3809233, MONDO:0014143, OMIM 615355.

Submission:

Labcorp Genetics (formerly Invitae), Labcorp
Classification: Uncertain significance for Noonan syndrome 8. Last evaluated: 2025-08-04. Review status: criteria provided, single submitter. Criteria: Invitae Variant Classification Sherloc (09022015). Collection method: clinical testing. Allele origin: germline.
Comment: This sequence change replaces lysine, which is basic and polar, with arginine, which is basic and polar, at codon 196 of the RIT1 protein (p.Lys196Arg). This variant is not present in population databases (gnomAD no frequency). This variant has not been reported in the literature in individuals affected with RIT1-related conditions. Invitae Evidence Modeling of protein sequence and biophysical properties (such as structural, functional, and spatial information, amino acid conservation, physicochemical variation, residue mobility, and thermodynamic stability) indicates that this missense variant is not expected to disrupt RIT1 protein function with a negative predictive value of 95%. In summary, the available evidence is currently insufficient to determine the role of this variant in disease. Therefore, it has been classified as a Variant of Uncertain Significance.